The following is an entry in ClinVar:

NM_001376571.1(MADD):c.2564G>A (p.Arg855Gln)

Gene: MADD (MAP kinase activating death domain; plus strand). Cytogenetic location: 11p11.2.
Variant type: single nucleotide variant.
Coding change: c.2564G>A on transcript NM_001376571.1 (MANE Select); coding-DNA position 2564, G replaced by A.
Protein change: p.Arg855Gln; replaces arginine 855 with glutamine.
Molecular consequence: missense variant. On other transcripts: non-coding transcript variant (8), intron variant (6).
Genome position (GRCh38, 1-based): chr11:47,286,445, G>A. VCF-style: chr11-47286445-G-A. GRCh37 (hg19) VCF-style: chr11-47307996-G-A.
Other names: c.2435G>A, p.Arg812Gln (NM_001135943.2, NM_001135944.2, NM_001376581.1 and 39 more transcripts); c.2564G>A, p.Arg855Gln (NM_001376572.1, NM_001376573.1, NM_001376574.1 and 27 more transcripts); c.2537G>A, p.Arg846Gln (NM_001376578.1, NM_001376631.1); c.2411G>A, p.Arg804Gln (NM_001376602.1); c.2360G>A, p.Arg787Gln (NM_001376620.1, NM_001376626.1, NM_001376648.1 and 1 more transcripts); c.2231G>A, p.Arg744Gln (NM_001376627.1, NM_001376635.1, NM_001376644.1 and 5 more transcripts); c.2408G>A, p.Arg803Gln (NM_001376632.1, NM_001376649.1); c.1898G>A, p.Arg633Gln (NM_001376663.1); and 2 more; short protein forms R812Q, R855Q, R633Q, R744Q, R846Q, R787Q, R803Q, R804Q.
Identifiers: ClinVar variation 2375493 (VCV002375493.5), dbSNP rs146550074, ClinGen allele CA5974486.

ClinVar aggregate classification (germline): Uncertain significance. Review status: criteria provided, multiple submitters, no conflicts (2 of 4 stars). 3 submissions from 3 submitters: Uncertain significance (3). Last evaluated 2025-06-15.

Conditions:
Inborn genetic diseases. Identifiers: MedGen C0950123, MeSH D030342.

Allele frequency attached by ClinVar (database versions not stated): TOPMed 0.00015; gnomAD 0.00016; ExAC 0.00023; ESP Exome Variant Server 0.00038; 1000 Genomes Project 0.00040; 1000 Genomes Project 30x 0.00047; gnomAD exomes 0.00052.
gnomAD v4.1: 766 of 1,613,856 alleles (0.047%); highest among the groups gnomAD compares: Non-Finnish European, 0.062%; no homozygotes.

Submissions (3):

GeneDx
Classification: Uncertain significance. Last evaluated: 2025-06-15. Review status: criteria provided, single submitter. Criteria: GeneDx Variant Classification Process June 2021. Collection method: clinical testing. Allele origin: germline. Affected: yes.
Comment: In silico analysis suggests that this missense variant does not alter protein structure/function; Has not been previously published as pathogenic or benign to our knowledge

Blueprint Genetics
Classification: Uncertain significance. Last evaluated: 2024-07-23. Review status: criteria provided, single submitter. Criteria: ACMG Guidelines, 2015. Collection method: clinical testing. Allele origin: germline.

Ambry Genetics
Classification: Uncertain significance for Inborn genetic diseases. Last evaluated: 2021-07-06. Review status: criteria provided, single submitter. Criteria: Ambry Variant Classification Scheme 2023. Collection method: clinical testing. Allele origin: germline.